The following is an entry in ClinVar:

ClinVar aggregate classification (germline): Conflicting classifications of pathogenicity. Review status: criteria provided, conflicting classifications (1 of 4 stars). 3 submissions from 3 submitters: Uncertain significance (1); Likely benign (2). Last evaluated 2025-12-03.

Conditions:
Cardiovascular phenotype. Identifiers: MedGen CN230736.
Osteogenesis imperfecta type I (OI1). Also called: Classic Non-deforming Osteogenesis Imperfecta with Blue Sclerae; Osteogenesis imperfecta type 1; OI, TYPE I; OSTEOGENESIS IMPERFECTA TARDA; OSTEOGENESIS IMPERFECTA WITH BLUE SCLERAE; Lobstein's Disease. Identifiers: Orphanet 216796, Orphanet 666, MedGen C0023931, MONDO:0008146, OMIM 166200. Disease mechanism: loss of function.

Allele frequency attached by ClinVar (database versions not stated): ExAC 0.00001; gnomAD 0.00001 and 0.00003; gnomAD exomes 0.00001.
gnomAD v4.1: 20 of 1,613,182 alleles (0.0012%); highest among the groups gnomAD compares: South Asian, 0.011%; no homozygotes.

Submissions (3):

Labcorp Genetics (formerly Invitae), Labcorp
Classification: Likely benign for Osteogenesis imperfecta type I. Last evaluated: 2025-12-03. Review status: criteria provided, single submitter. Criteria: Invitae Variant Classification Sherloc (09022015). Collection method: clinical testing. Allele origin: germline.

Ambry Genetics
Classification: Likely benign for Cardiovascular phenotype. Last evaluated: 2022-04-03. Review status: criteria provided, single submitter. Criteria: Ambry Variant Classification Scheme 2023. Collection method: clinical testing. Allele origin: germline.

GeneDx
Classification: Uncertain significance. Last evaluated: 2021-01-13. Review status: criteria provided, single submitter. Criteria: GeneDx Variant Classification Process June 2021. Collection method: clinical testing. Allele origin: germline. Affected: yes.
Comment: Has not been previously published as pathogenic or benign to our knowledge; Not observed at a significant frequency in large population cohorts (Lek et al., 2016); In silico analysis, which includes splice predictors and evolutionary conservation, suggests this variant may impact gene splicing. In the absence of RNA/functional studies, the actual effect of this sequence change is unknown.

NM_000088.4(COL1A1):c.2481C>T (p.Gly827=)

Gene: COL1A1 (collagen type I alpha 1 chain; minus strand). Cytogenetic location: 17q21.33.
Variant type: single nucleotide variant.
Coding change: c.2481C>T on transcript NM_000088.4 (MANE Select); coding-DNA position 2481, C replaced by T.
Protein change: p.Gly827=; no amino-acid change (glycine 827 retained).
Molecular consequence: synonymous variant.
Genome position (GRCh38, 1-based): chr17:50,190,079, G>A on the plus strand (C>T on the coding strand, the complement: COL1A1 is on the minus strand). VCF-style: chr17-50190079-G-A. GRCh37 (hg19) VCF-style: chr17-48267440-G-A.
Identifiers: ClinVar variation 1314053 (VCV001314053.10), dbSNP rs779002822, ClinGen allele CA8644786.